The following is an entry in ClinVar:

NM_004268.5(MED17):c.250+1G>A

Genes: MED17 (mediator complex subunit 17; plus strand), LOC130006596 (ATAC-STARR-seq lymphoblastoid silent region 3840; plus strand). Cytogenetic location: 11q21.
Variant type: single nucleotide variant.
Coding change: c.250+1G>A on transcript NM_004268.5 (MANE Select); the canonical splice donor site of the intron after coding-DNA position 250, G replaced by A.
Molecular consequence: splice donor variant.
Genome position (GRCh38, 1-based): chr11:93,784,764, G>A. VCF-style: chr11-93784764-G-A. GRCh37 (hg19) VCF-style: chr11-93517930-G-A.
Identifiers: ClinVar variation 2840947 (VCV002840947.3), dbSNP rs2497512441, ClinGen allele CA382388367.

ClinVar aggregate classification (germline): Likely pathogenic (1 of 4 stars; one submission).

Submission:

Labcorp Genetics (formerly Invitae), Labcorp
Classification: Likely pathogenic. Last evaluated: 2023-02-26. Review status: criteria provided, single submitter. Criteria: Invitae Variant Classification Sherloc (09022015). Collection method: clinical testing. Allele origin: germline.
Comment: This sequence change affects a donor splice site in intron 1 of the MED17 gene. It is expected to disrupt RNA splicing. Variants that disrupt the donor or acceptor splice site typically lead to a loss of protein function (PMID: 16199547), and loss-of-function variants in MED17 are known to be pathogenic (PMID: 20950787, 26004231, 30345598). This variant is not present in population databases (gnomAD no frequency). This variant has not been reported in the literature in individuals affected with MED17-related conditions. Algorithms developed to predict the effect of sequence changes on RNA splicing suggest that this variant may disrupt the consensus splice site. In summary, the currently available evidence indicates that the variant is pathogenic, but additional data are needed to prove that conclusively. Therefore, this variant has been classified as Likely Pathogenic.

Literature cited by the submitters: PubMed 16199547; PubMed 20950787; PubMed 26004231; PubMed 30345598.